The following is an entry in ClinVar:

ClinVar aggregate classification (germline): Pathogenic/Likely pathogenic. Review status: criteria provided, multiple submitters, no conflicts (2 of 4 stars). 2 submissions from 2 submitters: Pathogenic (1); Likely pathogenic (1). Last evaluated 2024-02-05.

Conditions:
Coffin-Siris syndrome 1 (CSS1). Also called: Mental retardation, autosomal dominant 12; ARID1B-Related Coffin-Siris Syndrome. Identifiers: Orphanet 1465, MedGen C3281201, MONDO:0007617, OMIM 135900. Disease mechanism: gain of function.

Submissions (2):

3billion
Classification: Pathogenic for Coffin-Siris syndrome 1. Last evaluated: 2024-02-05. Review status: criteria provided, single submitter. Criteria: ACMG Guidelines, 2015. Collection method: clinical testing. Allele origin: germline. Affected: yes.
Comment: The variant is not observed in the gnomAD v2.1.1 dataset. Predicted Consequence/Location: Canonical splice site: predicted to alter splicing and result in a loss or disruption of normal protein function. Multiple pathogenic loss-of-function variants are reported downstream of the variant. The variant has been reported to be associated with ARID1B related disorder (ClinVar ID: VCV001333862). Therefore, this variant is classified as Pathogenic according to the recommendation of ACMG/AMP guideline.

CENTOGENE GmbH and LLC - Guiding Precision Medicine
Classification: Likely pathogenic for Coffin-Siris syndrome 1. Last evaluated: 2020-11-24. Review status: criteria provided, single submitter. Criteria: ACMG Guidelines, 2015. Collection method: clinical testing. Allele origin: de novo. Affected: yes.

NM_001374828.1(ARID1B):c.5264-2A>G

Gene: ARID1B (AT-rich interaction domain 1B; plus strand). Cytogenetic location: 6q25.3.
Variant type: single nucleotide variant.
Coding change: c.5264-2A>G on transcript NM_001374828.1 (MANE Select); the canonical splice acceptor site of the intron before coding-DNA position 5264, A replaced by G.
Molecular consequence: splice acceptor variant.
Genome position (GRCh38, 1-based): chr6:157,203,864, A>G. VCF-style: chr6-157203864-A-G. GRCh37 (hg19) VCF-style: chr6-157524998-A-G.
Other names: c.5144-2A>G (NM_001371656.1, NM_001374820.1); c.5105-2A>G (NM_017519.3); c.2765-2A>G (NM_001363725.2); c.5015-2A>G (NM_001346813.1).
Identifiers: ClinVar variation 1333862 (VCV001333862.2), dbSNP rs1794274425, ClinGen allele CA366243712.